The following is an entry in ClinVar:

NM_032447.5(FBN3):c.6521C>T (p.Pro2174Leu)

Gene: FBN3 (fibrillin 3; minus strand). Cytogenetic location: 19p13.2.
Variant type: single nucleotide variant.
Coding change: c.6521C>T on transcript NM_032447.5 (MANE Select); coding-DNA position 6521, C replaced by T.
Protein change: p.Pro2174Leu; replaces proline 2174 with leucine.
Molecular consequence: missense variant.
Genome position (GRCh38, 1-based): chr19:8,087,923, G>A on the plus strand (C>T on the coding strand, the complement: FBN3 is on the minus strand). VCF-style: chr19-8087923-G-A. GRCh37 (hg19) VCF-style: chr19-8152807-G-A.
Other names: c.6521C>T, p.Pro2174Leu (NM_001321431.2); short protein forms P2174L.
Identifiers: ClinVar variation 2068611 (VCV002068611.6), dbSNP rs116468610, ClinGen allele CA9151243.

ClinVar aggregate classification (germline): Uncertain significance. Review status: criteria provided, multiple submitters, no conflicts (2 of 4 stars). 2 submissions from 2 submitters: Uncertain significance (2). Last evaluated 2025-12-08.

Allele frequency attached by ClinVar (database versions not stated): ExAC 0.00030; 1000 Genomes Project 30x 0.00031; 1000 Genomes Project 0.00040; gnomAD 0.00046; TOPMed 0.00048; ESP Exome Variant Server 0.00092.
gnomAD v4.1: 561 of 1,614,176 alleles (0.035%); highest among the groups gnomAD compares: African/African-American, 0.083%; no homozygotes.

Submissions (2):

Labcorp Genetics (formerly Invitae), Labcorp
Classification: Uncertain significance. Last evaluated: 2025-12-08. Review status: criteria provided, single submitter. Criteria: Invitae Variant Classification Sherloc (09022015). Collection method: clinical testing. Allele origin: germline.
Comment: This sequence change replaces proline, which is neutral and non-polar, with leucine, which is neutral and non-polar, at codon 2174 of the FBN3 protein (p.Pro2174Leu). This variant is present in population databases (rs116468610, gnomAD 0.08%), and has an allele count higher than expected for a pathogenic variant. This variant has not been reported in the literature in individuals affected with FBN3-related conditions. ClinVar contains an entry for this variant (Variation ID: 2068611). Invitae Evidence Modeling of protein sequence and biophysical properties (such as structural, functional, and spatial information, amino acid conservation, physicochemical variation, residue mobility, and thermodynamic stability) indicates that this missense variant is not expected to disrupt FBN3 protein function with a negative predictive value of 80%. In summary, the available evidence is currently insufficient to determine the role of this variant in disease. Therefore, it has been classified as a Variant of Uncertain Significance.

Ambry Genetics
Classification: Uncertain significance. Last evaluated: 2025-03-27. Review status: criteria provided, single submitter. Criteria: Ambry Variant Classification Scheme 2023. Collection method: clinical testing. Allele origin: germline.